The following is an entry in ClinVar:

NM_000059.4(BRCA2):c.6842-1559A>G

Gene: BRCA2 (BRCA2 DNA repair associated; plus strand). Cytogenetic location: 13q13.1.
Variant type: single nucleotide variant.
Coding change: c.6842-1559A>G on transcript NM_000059.4 (MANE Select); 1559 bases into the intron before coding-DNA position 6842, A replaced by G.
Molecular consequence: intron variant.
Genome position (GRCh38, 1-based): chr13:32,342,999, A>G. VCF-style: chr13-32342999-A-G. GRCh37 (hg19) VCF-style: chr13-32917136-A-G.
Other names: IVS 11-1559A>G.
Identifiers: ClinVar variation 209700 (VCV000209700.1), dbSNP rs55921227, ClinGen allele CA276668.

ClinVar aggregate classification (germline): Benign (3 of 4 stars; one submission).

Conditions:
Breast-ovarian cancer, familial, susceptibility to, 2 (BROVCA2). Also called: BRCA2 Hereditary Breast and Ovarian Cancer. Identifiers: Orphanet 145, MedGen C2675520, MONDO:0012933, OMIM 612555. Disease mechanism: loss of function.

Allele frequency attached by ClinVar (database versions not stated): gnomAD 0.00601 and 0.00659; 1000 Genomes Project 0.00619; 1000 Genomes Project 30x 0.00656; TOPMed 0.00662.
gnomAD v4.1: 903 of 152,196 alleles (0.59%); highest among the groups gnomAD compares: African/African-American, 2.1%; 9 homozygotes.

Submission:

Evidence-based Network for the Interpretation of Germline Mutant Alleles (ENIGMA)
Classification: Benign for Breast-ovarian cancer, familial 2. Last evaluated: 2015-01-12. Review status: reviewed by expert panel. Criteria: ENIGMA BRCA1/2 Classification Criteria (2015). Collection method: curation. Allele origin: germline.
Comment: Class 1 not pathogenic based on frequency >1% in an outbred sampleset. Frequency 0.01626 (African), derived from 1000 genomes (2012-04-30).